The following is an entry in ClinVar:

ClinVar aggregate classification (germline): Likely pathogenic. Review status: criteria provided, multiple submitters, no conflicts (2 of 4 stars). 2 submissions from 2 submitters: Likely pathogenic (2). Last evaluated 2024-08-28.

Conditions:
Pheochromocytoma/paraganglioma syndrome 5. Also called: Paragangliomas 5; SDHA-Related Hereditary Paraganglioma-Pheochromocytoma Syndrome. Identifiers: Orphanet 29072, MedGen C3279992, MONDO:0013602, OMIM 614165.
Dilated cardiomyopathy 1GG (CMD1GG). Identifiers: Orphanet 154, MedGen C3150898, MONDO:0013339, OMIM 613642.

Submissions (2):

Myriad Genetics, Inc.
Classification: Likely pathogenic for Pheochromocytoma/paraganglioma syndrome 5. Last evaluated: 2024-08-28. Review status: criteria provided, single submitter. Criteria: Myriad Autosomal Dominant, Autosomal Recessive and X-Linked Classification Criteria (2023). Collection method: clinical testing. Allele origin: unknown.
Comment: This variant is considered likely pathogenic. This variant occurs within a consensus splice junction and is predicted to result in abnormal mRNA splicing of either an out-of-frame exon or an in-frame exon necessary for protein stability and/or normal function.

Baylor Genetics
Classification: Likely pathogenic for Dilated cardiomyopathy 1GG. Last evaluated: 2023-02-05. Review status: criteria provided, single submitter. Criteria: ACMG Guidelines, 2015. Collection method: clinical testing. Allele origin: unknown.

NM_004168.4(SDHA):c.1260+1G>T

Gene: SDHA (succinate dehydrogenase complex flavoprotein subunit A; plus strand). Cytogenetic location: 5p15.33.
Variant type: single nucleotide variant.
Coding change: c.1260+1G>T on transcript NM_004168.4 (MANE Select); the canonical splice donor site of the intron after coding-DNA position 1260, G replaced by T.
Molecular consequence: splice donor variant.
Genome position (GRCh38, 1-based): chr5:235,340, G>T. VCF-style: chr5-235340-G-T. GRCh37 (hg19) VCF-style: chr5-235455-G-T.
Other names: c.1260+1G>T (NM_001330758.2); c.1116+1G>T (NM_001294332.2).
Identifiers: ClinVar variation 2678628 (VCV002678628.2), dbSNP rs1735710012, ClinGen allele CA359013788.